The following is an entry in ClinVar:

NM_001322934.2(NFKB2):c.1354G>A (p.Gly452Ser)

Gene: NFKB2 (nuclear factor kappa B subunit 2; plus strand). Cytogenetic location: 10q24.32.
Variant type: single nucleotide variant.
Coding change: c.1354G>A on transcript NM_001322934.2 (MANE Select); coding-DNA position 1354, G replaced by A.
Protein change: p.Gly452Ser; replaces glycine 452 with serine.
Molecular consequence: missense variant.
Genome position (GRCh38, 1-based): chr10:102,399,603, G>A. VCF-style: chr10-102399603-G-A. GRCh37 (hg19) VCF-style: chr10-104159360-G-A.
Other names: c.1354G>A, p.Gly452Ser (NM_001261403.3, NM_001288724.1, NM_002502.6 and 2 more transcripts); c.1228G>A, p.Gly410Ser (NM_001322935.1); short protein forms G410S, G452S.
Identifiers: ClinVar variation 2893578 (VCV002893578.3), dbSNP rs45471103, ClinGen allele CA377899444.

ClinVar aggregate classification (germline): Uncertain significance (1 of 4 stars; one submission).

Conditions:
Immunodeficiency, common variable, 10. Also called: IMMUNODEFICIENCY, COMMON VARIABLE, WITH CENTRAL ADRENAL INSUFFICIENCY; DEFICIT IN ANTERIOR PITUITARY FUNCTION AND VARIABLE IMMUNODEFICIENCY. Identifiers: MedGen C3809991, MONDO:0014260, OMIM 615577.

gnomAD v4.1: 5 of 1,548,550 alleles (0.00032%); highest among the groups gnomAD compares: Admixed American, 0.0039%; no homozygotes.

Submission:

Labcorp Genetics (formerly Invitae), Labcorp
Classification: Uncertain significance for Immunodeficiency, common variable, 10. Last evaluated: 2023-02-21. Review status: criteria provided, single submitter. Criteria: Invitae Variant Classification Sherloc (09022015). Collection method: clinical testing. Allele origin: germline.
Comment: In summary, the available evidence is currently insufficient to determine the role of this variant in disease. Therefore, it has been classified as a Variant of Uncertain Significance. Algorithms developed to predict the effect of missense changes on protein structure and function output the following: SIFT: "Not Available"; PolyPhen-2: "Benign"; Align-GVGD: "Not Available". The serine amino acid residue is found in multiple mammalian species, which suggests that this missense change does not adversely affect protein function. This variant has not been reported in the literature in individuals affected with NFKB2-related conditions. The frequency data for this variant in the population databases is considered unreliable, as metrics indicate poor data quality at this position in the gnomAD database. This sequence change replaces glycine, which is neutral and non-polar, with serine, which is neutral and polar, at codon 452 of the NFKB2 protein (p.Gly452Ser).